The following is an entry in ClinVar:

ClinVar aggregate classification (germline): Uncertain significance (1 of 4 stars; one submission).

Submission:

Labcorp Genetics (formerly Invitae), Labcorp
Classification: Uncertain significance. Last evaluated: 2025-09-15. Review status: criteria provided, single submitter. Criteria: Invitae Variant Classification Sherloc (09022015). Collection method: clinical testing. Allele origin: germline.
Comment: This sequence change replaces proline, which is neutral and non-polar, with histidine, which is basic and polar, at codon 479 of the COL9A2 protein (p.Pro479His). This variant is not present in population databases (gnomAD no frequency). This variant has not been reported in the literature in individuals affected with COL9A2-related conditions. ClinVar contains an entry for this variant (Variation ID: 2827073). An algorithm developed to predict the effect of missense changes on protein structure and function (PolyPhen-2) suggests that this variant is likely to be disruptive. In summary, the available evidence is currently insufficient to determine the role of this variant in disease. Therefore, it has been classified as a Variant of Uncertain Significance.

NM_001852.4(COL9A2):c.1436C>A (p.Pro479His)

Gene: COL9A2 (collagen type IX alpha 2 chain; minus strand). Cytogenetic location: 1p34.2.
Variant type: single nucleotide variant.
Coding change: c.1436C>A on transcript NM_001852.4 (MANE Select); coding-DNA position 1436, C replaced by A.
Protein change: p.Pro479His; replaces proline 479 with histidine.
Molecular consequence: missense variant.
Genome position (GRCh38, 1-based): chr1:40,303,642, G>T on the plus strand (C>A on the coding strand, the complement: COL9A2 is on the minus strand). VCF-style: chr1-40303642-G-T. GRCh37 (hg19) VCF-style: chr1-40769314-G-T.
Other names: short protein forms P479H.
Identifiers: ClinVar variation 2827073 (VCV002827073.3), dbSNP rs1174937078, ClinGen allele CA339878694.
Genomic context (GRCh38, chr1:40,303,642, plus strand): 5'-CCTCGAGGGCCGGGGGGACCAGGGTAGCCCTGAACCCCTGGGGCGCCCGCATCCCCGCTG[G>T]GGCCAGGGTAGCCGGGTTCTCCACGTACTCCTTGCTGCGGGGGGATGGGGGTGGGAGCAG-3'
Protein context (NP_001843.1, residues 469-489): GVRGEPGYPG[Pro479His]SGDAGAPGVQ